The following is an entry in ClinVar:

NM_033380.3(COL4A5):c.4788G>A (p.Trp1596Ter)

Gene: COL4A5 (collagen type IV alpha 5 chain; plus strand). Cytogenetic location: Xq22.3.
Variant type: single nucleotide variant.
Coding change: c.4788G>A on transcript NM_033380.3 (MANE Select); coding-DNA position 4788, G replaced by A.
Protein change: p.Trp1596Ter; replaces tryptophan 1596 with a stop codon.
Molecular consequence: nonsense.
Genome position (GRCh38, 1-based): chrX:108,694,888, G>A. VCF-style: chrX-108694888-G-A. GRCh37 (hg19) VCF-style: chrX-107938118-G-A.
Other names: c.4770G>A, p.Trp1590Ter (NM_000495.5); short protein forms W1590*, W1596*.
Identifiers: ClinVar variation 1339094 (VCV001339094.2), dbSNP rs2148001666, ClinGen allele CA414132553.

ClinVar aggregate classification (germline): Likely pathogenic (1 of 4 stars; one submission).

Conditions:
X-linked Alport syndrome (ATS1). Also called: COL4A5-Related Nephropathy; NEPHROPATHY AND DEAFNESS, X-LINKED. Identifiers: Orphanet 63, Orphanet 88917, MedGen C4746986, MONDO:0010520, OMIM 301050.

Submission:

Neuberg Centre For Genomic Medicine, NCGM
Classification: Likely pathogenic for X-linked Alport syndrome. Review status: criteria provided, single submitter. Criteria: ACMG Guidelines, 2015. Collection method: clinical testing. Allele origin: germline. Affected: yes.
Comment: The stop gained p.W1590* in COL4A5 (NM_000495.5) has not been reported previously as a pathogenic variant nor as a benign variant, to our knowledge. The p.W1590* variant is novel (not in any individuals) in gnomAD Exomes and is novel (not in any individuals) in 1000 Genomes. This variant is predicted to cause loss of normal protein function through protein truncation. Loss of function variants have been previously reported to be disease causing.For these reasons, this variant has been classified as Likely Pathogenic.